The following is an entry in ClinVar:

ClinVar aggregate classification (germline): Uncertain significance (1 of 4 stars; one submission).

Submission:

GeneDx
Classification: Uncertain significance. Last evaluated: 2024-12-22. Review status: criteria provided, single submitter. Criteria: GeneDx Variant Classification Process June 2021. Collection method: clinical testing. Allele origin: germline. Affected: yes.
Comment: Nonsense variant predicted to result in protein truncation or nonsense mediated decay in a gene or region of a gene for which loss of function is not a well-established mechanism of disease; Not observed at significant frequency in large population cohorts (gnomAD); Has not been previously published as pathogenic or benign to our knowledge

NM_003036.4(SKI):c.433G>T (p.Glu145Ter)

Gene: SKI (SKI proto-oncogene; plus strand). Cytogenetic location: 1p36.33.
Variant type: single nucleotide variant.
Coding change: c.433G>T on transcript NM_003036.4 (MANE Select); coding-DNA position 433, G replaced by T.
Protein change: p.Glu145Ter; replaces glutamic acid 145 with a stop codon.
Molecular consequence: nonsense.
Genome position (GRCh38, 1-based): chr1:2,229,199, G>T. VCF-style: chr1-2229199-G-T. GRCh37 (hg19) VCF-style: chr1-2160638-G-T.
Other names: short protein forms E145*.
Identifiers: ClinVar variation 3906390 (VCV003906390.1).
Genomic context (GRCh38, chr1:2,229,199, plus strand): 5'-CAGATTCTCAACTCGGTGCTGCGCGACTTCTCGCTGCAGCAGATCAACGCGGTGTGCGAC[G>T]AGCTCCACATCTACTGCTCGCGCTGCACGGCCGACCAGCTGGAGATCCTCAAAGTCATGG-3'